The following is an entry in ClinVar:

ClinVar aggregate classification (germline): Likely benign (1 of 4 stars; one submission).

Submission:

CeGaT Center for Human Genetics Tuebingen
Classification: Likely benign. Last evaluated: 2024-07-01. Review status: criteria provided, single submitter. Criteria: CeGaT Center For Human Genetics Tuebingen Variant Classification Criteria Version 2. Collection method: clinical testing. Allele origin: germline. Affected: yes. Observed: 1 variant allele.
Comment: KCNT2: PM2:Supporting, BP4, BP7

NM_198503.5(KCNT2):c.318C>A (p.Gly106=)

Gene: KCNT2 (potassium sodium-activated channel subfamily T member 2; minus strand). Cytogenetic location: 1q31.3.
Variant type: single nucleotide variant.
Coding change: c.318C>A on transcript NM_198503.5 (MANE Select); coding-DNA position 318, C replaced by A.
Protein change: p.Gly106=; no amino-acid change (glycine 106 retained).
Molecular consequence: synonymous variant. On other transcripts: non-coding transcript variant (2).
Genome position (GRCh38, 1-based): chr1:196,482,337, G>T on the plus strand (C>A on the coding strand, the complement: KCNT2 is on the minus strand). VCF-style: chr1-196482337-G-T. GRCh37 (hg19) VCF-style: chr1-196451467-G-T.
Other names: c.318C>A, p.Gly106= (NM_001287819.3, NM_001287820.3).
Identifiers: ClinVar variation 3257482 (VCV003257482.17).